The following is an entry in ClinVar:

ClinVar aggregate classification (germline): Uncertain significance (1 of 4 stars; one submission).

Submission:

CeGaT Center for Human Genetics Tuebingen
Classification: Uncertain significance. Last evaluated: 2025-06-01. Review status: criteria provided, single submitter. Criteria: CeGaT Center For Human Genetics Tuebingen Variant Classification Criteria Version 2. Collection method: clinical testing. Allele origin: germline. Affected: yes. Observed: 1 variant allele.
Comment: DST: PM2, BP4

NM_001723.7(DST):c.3529A>G (p.Arg1177Gly)

Gene: DST (dystonin; minus strand). Cytogenetic location: 6p12.1.
Variant type: single nucleotide variant.
Coding change: c.3529A>G on transcript NM_001723.7 (MANE Plus Clinical); coding-DNA position 3529, A replaced by G.
Protein change: p.Arg1177Gly; replaces arginine 1177 with glycine.
Molecular consequence: missense variant. On other transcripts: intron variant (10).
Genome position (GRCh38, 1-based): chr6:56,620,505, T>C on the plus strand (A>G on the coding strand, the complement: DST is on the minus strand). VCF-style: chr6-56620505-T-C. GRCh37 (hg19) VCF-style: chr6-56485303-T-C.
Other names: c.4830+4025A>G (NM_001144769.5); c.4929+4025A>G (NM_001374722.1, NM_001374736.1); c.4956+4025A>G (NM_001374734.1); c.4416+4025A>G (NM_001144770.2); c.4296+4025A>G (NM_001374730.1, NM_001386100.1, NM_183380.4 and 1 more transcripts); c.3318+4025A>G (NM_015548.5); short protein forms R1177G.
Identifiers: ClinVar variation 4084853 (VCV004084853.8).